The following is an entry in ClinVar:

NM_000404.4(GLB1):c.1533C>G (p.Ile511Met)

Gene: GLB1 (galactosidase beta 1; minus strand). Cytogenetic location: 3p22.3.
Variant type: single nucleotide variant.
Coding change: c.1533C>G on transcript NM_000404.4 (MANE Select); coding-DNA position 1533, C replaced by G.
Protein change: p.Ile511Met; replaces isoleucine 511 with methionine.
Molecular consequence: missense variant.
Genome position (GRCh38, 1-based): chr3:33,014,257, G>C on the plus strand (C>G on the coding strand, the complement: GLB1 is on the minus strand). VCF-style: chr3-33014257-G-C. GRCh37 (hg19) VCF-style: chr3-33055749-G-C.
Other names: p.Ile511Met; c.1443C>G, p.Ile481Met (NM_001079811.3); c.1140C>G, p.Ile380Met (NM_001135602.3); c.1677C>G, p.Ile559Met (NM_001317040.2); c.1533C>G, p.Ile511Met (NM_001393580.1); short protein forms I380M, I481M, I511M, I559M.
Identifiers: ClinVar variation 4540846 (VCV004540846.1).

ClinVar aggregate classification (germline): Uncertain significance (1 of 4 stars; one submission).

gnomAD v4.1: 8 of 1,614,064 alleles (0.0005%); highest among the groups gnomAD compares: African/African-American, 0.0093%; no homozygotes.

Submission:

Mayo Clinic Laboratories, Mayo Clinic
Classification: Uncertain significance. Last evaluated: 2025-05-07. Review status: criteria provided, single submitter. Criteria: ACMG Guidelines, 2015. Collection method: clinical testing. Allele origin: germline. Observed: 1 variant allele.
Comment: PM2_supporting